The following is an entry in ClinVar:

NM_001164688.2(RD3):c.94G>C (p.Glu32Gln)

Gene: RD3 (RD3 regulator of GUCY2D; minus strand). Cytogenetic location: 1q32.3.
Variant type: single nucleotide variant.
Coding change: c.94G>C on transcript NM_001164688.2 (MANE Select); coding-DNA position 94, G replaced by C.
Protein change: p.Glu32Gln; replaces glutamic acid 32 with glutamine.
Molecular consequence: missense variant.
Genome position (GRCh38, 1-based): chr1:211,481,322, C>G on the plus strand (G>C on the coding strand, the complement: RD3 is on the minus strand). VCF-style: chr1-211481322-C-G. GRCh37 (hg19) VCF-style: chr1-211654664-C-G.
Other names: c.94G>C, p.Glu32Gln (NM_183059.3); short protein forms E32Q.
Identifiers: ClinVar variation 844426 (VCV000844426.8), dbSNP rs368003568, ClinGen allele CA1381158.

ClinVar aggregate classification (germline): Uncertain significance (1 of 4 stars; one submission).

Conditions:
Leber congenital amaurosis 12 (LCA12). Identifiers: Orphanet 65, MedGen C1857743, MONDO:0012525, OMIM 610612.

Allele frequency attached by ClinVar (database versions not stated): ExAC 0.00001; gnomAD 0.00001; TOPMed 0.00001; ESP Exome Variant Server 0.00008.

Submission:

Labcorp Genetics (formerly Invitae), Labcorp
Classification: Uncertain significance for Leber congenital amaurosis 12. Last evaluated: 2019-12-31. Review status: criteria provided, single submitter. Criteria: Invitae Variant Classification Sherloc (09022015). Collection method: clinical testing. Allele origin: germline.
Comment: Algorithms developed to predict the effect of missense changes on protein structure and function (SIFT, PolyPhen-2, Align-GVGD) all suggest that this variant is likely to be disruptive, but these predictions have not been confirmed by published functional studies and their clinical significance is uncertain. This sequence change replaces glutamic acid with glutamine at codon 32 of the RD3 protein (p.Glu32Gln). The glutamic acid residue is highly conserved and there is a small physicochemical difference between glutamic acid and glutamine. This variant is present in population databases (rs368003568, ExAC 0.01%). This variant has not been reported in the literature in individuals with RD3-related conditions. In summary, the available evidence is currently insufficient to determine the role of this variant in disease. Therefore, it has been classified as a Variant of Uncertain Significance.